The following is an entry in ClinVar:

NM_000465.4(BARD1):c.1588C>T (p.Pro530Ser)

Gene: BARD1 (BRCA1 associated RING domain 1; minus strand). Cytogenetic location: 2q35.
Variant type: single nucleotide variant.
Coding change: c.1588C>T on transcript NM_000465.4 (MANE Select); coding-DNA position 1588, C replaced by T.
Protein change: p.Pro530Ser; replaces proline 530 with serine.
Molecular consequence: missense variant. On other transcripts: non-coding transcript variant (3), intron variant (1).
Genome position (GRCh38, 1-based): chr2:214,752,536, G>A on the plus strand (C>T on the coding strand, the complement: BARD1 is on the minus strand). VCF-style: chr2-214752536-G-A. GRCh37 (hg19) VCF-style: chr2-215617260-G-A.
Other names: c.1531C>T, p.Pro511Ser (NM_001282543.2); c.235C>T, p.Pro79Ser (NM_001282545.2); c.178C>T, p.Pro60Ser (NM_001282548.2); c.365-22028C>T (NM_001282549.2); c.1588C>T (NM_000465.2); short protein forms P530S, P60S, P511S, P79S.
Identifiers: ClinVar variation 580470 (VCV000580470.10), dbSNP rs760144724, ClinGen allele CA2090216.
Genomic context (GRCh38, chr2:214,752,536, plus strand): 5'-CATTCTTCTCTGGTAGCAGCAATAGCGATTTCATACTTTCATCATCTGTATAATCGACAG[G>A]CCGCAGACCAAATATATTACTGGTAAAATAAGTGCAGATGTGTTTAAGTAAGTCAAATGT-3'
Protein context (NP_000456.2, residues 520-540): RNAVNIFGLR[Pro530Ser]VDYTDDESMK

ClinVar aggregate classification (germline): Uncertain significance. Review status: criteria provided, multiple submitters, no conflicts (2 of 4 stars). 2 submissions from 2 submitters: Uncertain significance (2). Last evaluated 2024-05-02.

Conditions:
Hereditary cancer-predisposing syndrome. Also called: Neoplastic Syndromes, Hereditary; Tumor predisposition; Hereditary neoplastic syndrome; Hereditary Cancer Syndrome. Identifiers: Orphanet 140162, MedGen C0027672, MeSH D009386, MONDO:0015356.
Familial cancer of breast. Also called: BREAST CANCER, FAMILIAL; hereditary breast carcinoma; Hereditary breast cancer. Identifiers: Orphanet 227535, MedGen C0346153, MONDO:0016419, OMIM 114480. Disease mechanism: loss of function.

Allele frequency attached by ClinVar (database versions not stated): gnomAD exomes below 0.00001; ExAC 0.00001.
gnomAD v4.1: 1 of 1,613,440 alleles (0.000062%); highest among the groups gnomAD compares: Admixed American, 0.0017%; no homozygotes.

Submissions (2):

Labcorp Genetics (formerly Invitae), Labcorp
Classification: Uncertain significance for Familial cancer of breast. Last evaluated: 2024-05-02. Review status: criteria provided, single submitter. Criteria: Invitae Variant Classification Sherloc (09022015). Collection method: clinical testing. Allele origin: germline.
Comment: This sequence change replaces proline, which is neutral and non-polar, with serine, which is neutral and polar, at codon 530 of the BARD1 protein (p.Pro530Ser). This variant is present in population databases (rs760144724, gnomAD 0.003%). This variant has not been reported in the literature in individuals affected with BARD1-related conditions. ClinVar contains an entry for this variant (Variation ID: 580470). An algorithm developed to predict the effect of missense changes on protein structure and function (PolyPhen-2) suggests that this variant is likely to be disruptive. Algorithms developed to predict the effect of sequence changes on RNA splicing suggest that this variant may create or strengthen a splice site. In summary, the available evidence is currently insufficient to determine the role of this variant in disease. Therefore, it has been classified as a Variant of Uncertain Significance.

Ambry Genetics
Classification: Uncertain significance for Hereditary cancer-predisposing syndrome. Last evaluated: 2024-03-05. Review status: criteria provided, single submitter. Criteria: Ambry Variant Classification Scheme 2023. Collection method: clinical testing. Allele origin: germline.
Comment: The p.P530S variant (also known as c.1588C>T), located in coding exon 7 of the BARD1 gene, results from a C to T substitution at nucleotide position 1588. The proline at codon 530 is replaced by serine, an amino acid with similar properties. This amino acid position is highly conserved in available vertebrate species. In addition, this alteration is predicted to be deleterious by in silico analysis. Based on the available evidence, the clinical significance of this alteration remains unclear.